The following is an entry in ClinVar:

NM_005477.3(HCN4):c.2916C>T (p.Pro972=)

Gene: HCN4 (hyperpolarization activated cyclic nucleotide gated potassium channel 4; minus strand). Cytogenetic location: 15q24.1.
Variant type: single nucleotide variant.
Coding change: c.2916C>T on transcript NM_005477.3 (MANE Select); coding-DNA position 2916, C replaced by T.
Protein change: p.Pro972=; no amino-acid change (proline 972 retained).
Molecular consequence: synonymous variant.
Genome position (GRCh38, 1-based): chr15:73,323,177, G>A on the plus strand (C>T on the coding strand, the complement: HCN4 is on the minus strand). VCF-style: chr15-73323177-G-A. GRCh37 (hg19) VCF-style: chr15-73615518-G-A.
Identifiers: ClinVar variation 519320 (VCV000519320.18), dbSNP rs559422705, ClinGen allele CA7648926.

ClinVar aggregate classification (germline): Likely benign. Review status: criteria provided, multiple submitters, no conflicts (2 of 4 stars). 4 submissions from 4 submitters: Likely benign (3). 1 of the submissions does not count toward it. Last evaluated 2025-12-20.

Conditions:
Cardiovascular phenotype. Identifiers: MedGen CN230736.
Brugada syndrome 8 (BRGDA8). Identifiers: Orphanet 130, MedGen C2751083, MONDO:0013148, OMIM 613123.
Sick sinus syndrome 2, autosomal dominant (SSS2). Also called: ATRIAL FIBRILLATION WITH BRADYARRHYTHMIA; SICK SINUS SYNDROME 2; SICK SINUS SYNDROME 2 WITH OR WITHOUT CARDIAC NONCOMPACTION AND/OR ASCENDING AORTA DILATION; SINUS BRADYCARDIA SYNDROME, FAMILIAL, AUTOSOMAL DOMINANT; SINUS NODE DISEASE, FAMILIAL, AUTOSOMAL DOMINANT. Identifiers: Orphanet 166282, MedGen C1834144, MONDO:0008102, OMIM 163800.
Epilepsy, idiopathic generalized, susceptibility to, 18. Identifiers: MedGen C5561983, MONDO:0030434, OMIM 619521.
HCN4-related disorder. Also called: HCN4-related condition.

Allele frequency attached by ClinVar (database versions not stated): gnomAD 0.00002 and 0.00003; gnomAD exomes 0.00002; TOPMed 0.00002; ExAC 0.00004; 1000 Genomes Project 0.00020; 1000 Genomes Project 30x 0.00031.
gnomAD v4.1: 25 of 1,551,590 alleles (0.0016%); highest among the groups gnomAD compares: Middle Eastern, 0.017%; no homozygotes.

Submissions (4):

Labcorp Genetics (formerly Invitae), Labcorp
Classification: Likely benign for Brugada syndrome 8. Last evaluated: 2025-12-20. Review status: criteria provided, single submitter. Criteria: Invitae Variant Classification Sherloc (09022015). Collection method: clinical testing. Allele origin: germline.

Fulgent Genetics
Classification: Likely benign for Sick sinus syndrome 2, autosomal dominant; Brugada syndrome 8; Epilepsy, idiopathic generalized, susceptibility to, 18. Last evaluated: 2021-10-07. Review status: criteria provided, single submitter. Criteria: ACMG Guidelines, 2015. Collection method: clinical testing. Allele origin: unknown.

Ambry Genetics
Classification: Likely benign for Cardiovascular phenotype. Last evaluated: 2016-08-25. Review status: criteria provided, single submitter. Criteria: Ambry Variant Classification Scheme 2023. Collection method: clinical testing. Allele origin: germline.

PreventionGenetics, part of Exact Sciences
Classification: Likely benign for HCN4-related condition. Last evaluated: 2019-06-06. Review status: no assertion criteria provided. Collection method: clinical testing. Allele origin: germline. Not counted in ClinVar's aggregate classification.
Comment: This variant is classified as likely benign based on ACMG/AMP sequence variant interpretation guidelines (Richards et al. 2015 PMID: 25741868, with internal and published modifications).